The following is an entry in ClinVar:

NM_000122.2(ERCC3):c.1841C>A (p.Ser614Ter)

Gene: ERCC3 (ERCC excision repair 3, TFIIH core complex helicase subunit; minus strand). Cytogenetic location: 2q14.3.
Variant type: single nucleotide variant.
Coding change: c.1841C>A on transcript NM_000122.2 (MANE Select); coding-DNA position 1841, C replaced by A.
Protein change: p.Ser614Ter; replaces serine 614 with a stop codon.
Molecular consequence: nonsense.
Genome position (GRCh38, 1-based): chr2:127,271,440, G>T on the plus strand (C>A on the coding strand, the complement: ERCC3 is on the minus strand). VCF-style: chr2-127271440-G-T. GRCh37 (hg19) VCF-style: chr2-128029016-G-T.
Other names: c.1649C>A, p.Ser550Ter (NM_001303416.2, NM_001303418.2); short protein forms S550*, S614*.
Identifiers: ClinVar variation 3630007 (VCV003630007.1).

ClinVar aggregate classification (germline): Pathogenic (1 of 4 stars; one submission).

Conditions:
Xeroderma pigmentosum (XP). Identifiers: Orphanet 910, MedGen C0043346, MONDO:0019600.

Submission:

Women's Health and Genetics/Laboratory Corporation of America, LabCorp
Classification: Pathogenic for Xeroderma pigmentosum. Last evaluated: 2024-11-19. Review status: criteria provided, single submitter. Criteria: LabCorp Variant Classification Summary - May 2015. Collection method: clinical testing. Allele origin: germline.
Comment: Variant summary: ERCC3 c.1841C>A (p.Ser614X) results in a premature termination codon, predicted to cause a truncation of the encoded protein or absence of the protein due to nonsense mediated decay, which are commonly known mechanisms for disease. The variant allele was found at a frequency of 6.2e-07 in 1606388 control chromosomes in the gnomAD database (v4.1 dataset). To our knowledge, no occurrence of c.1841C>A in individuals affected with Xeroderma Pigmentosum and no experimental evidence demonstrating its impact on protein function have been reported. No submitters have cited clinical-significance assessments for this variant to ClinVar. Based on the evidence outlined above, the variant was classified as pathogenic.